The following is an entry in ClinVar:

ClinVar aggregate classification (germline): Conflicting classifications of pathogenicity. Review status: criteria provided, conflicting classifications (1 of 4 stars). 2 submissions from 2 submitters: Uncertain significance (1); Likely benign (1). Last evaluated 2025-12-23.

Conditions:
ABL1-related disorder. Also called: ABL1-related condition.

gnomAD v4.1: 85 of 1,611,834 alleles (0.0053%); highest among the groups gnomAD compares: Non-Finnish European, 0.006%; no homozygotes.

Submissions (2):

Labcorp Genetics (formerly Invitae), Labcorp
Classification: Likely benign. Last evaluated: 2025-12-23. Review status: criteria provided, single submitter. Criteria: Invitae Variant Classification Sherloc (09022015). Collection method: clinical testing. Allele origin: germline.

PreventionGenetics, part of Exact Sciences
Classification: Uncertain significance for ABL1-related condition. Last evaluated: 2024-11-19. Review status: criteria provided, single submitter. Criteria: ACMG Guidelines, 2015. Collection method: clinical testing. Allele origin: germline.
Comment: The ABL1 c.2132C>T variant is predicted to result in the amino acid substitution p.Thr711Met. To our knowledge, this variant has not been reported in the literature. This variant is reported in 0.0056% of alleles in individuals of East Asian descent in gnomAD. At this time, the clinical significance of this variant is uncertain due to the absence of conclusive functional and genetic evidence.

NM_005157.6(ABL1):c.2075C>T (p.Thr692Met)

Gene: ABL1 (ABL proto-oncogene 1, non-receptor tyrosine kinase; plus strand). Cytogenetic location: 9q34.12.
Variant type: single nucleotide variant.
Coding change: c.2075C>T on transcript NM_005157.6 (MANE Select); coding-DNA position 2075, C replaced by T.
Protein change: p.Thr692Met; replaces threonine 692 with methionine.
Molecular consequence: missense variant.
Genome position (GRCh38, 1-based): chr9:130,884,365, C>T. VCF-style: chr9-130884365-C-T. GRCh37 (hg19) VCF-style: chr9-133759752-C-T.
Other names: c.2132C>T, p.Thr711Met (NM_007313.3); c.2132C>T (NM_007313.2); short protein forms T711M, T692M.
Identifiers: ClinVar variation 4691850 (VCV004691850.2).